The following is an entry in ClinVar:

ClinVar aggregate classification (germline): Likely benign (1 of 4 stars; one submission).

Allele frequency attached by ClinVar (database versions not stated): 1000 Genomes Project 0.00060.

Submission:

CeGaT Center for Human Genetics Tuebingen
Classification: Likely benign. Last evaluated: 2023-02-01. Review status: criteria provided, single submitter. Criteria: CeGaT Center For Human Genetics Tuebingen Variant Classification Criteria Version 2. Collection method: clinical testing. Allele origin: germline. Affected: yes. Observed: 1 variant allele.
Comment: CCDC40: BP4, BS2

NM_017950.4(CCDC40):c.2832+470G>A

Gene: CCDC40 (coiled-coil domain 40 molecular ruler complex subunit; plus strand). Cytogenetic location: 17q25.3.
Variant type: single nucleotide variant.
Coding change: c.2832+470G>A on transcript NM_017950.4 (MANE Select); 470 bases into the intron after coding-DNA position 2832, G replaced by A.
Molecular consequence: intron variant. On other transcripts: synonymous variant (1).
Genome position (GRCh38, 1-based): chr17:80,090,354, G>A. VCF-style: chr17-80090354-G-A. GRCh37 (hg19) VCF-style: chr17-78064153-G-A.
Other names: c.3048G>A, p.Ala1016= (NM_001243342.2).
Identifiers: ClinVar variation 2648395 (VCV002648395.24), dbSNP rs529737669, ClinGen allele CA294870914.